The following is an entry in ClinVar:

NM_004415.4(DSP):c.7528G>A (p.Gly2510Arg)

Gene: DSP (desmoplakin; plus strand). Cytogenetic location: 6p24.3.
Variant type: single nucleotide variant.
Coding change: c.7528G>A on transcript NM_004415.4 (MANE Select); coding-DNA position 7528, G replaced by A.
Protein change: p.Gly2510Arg; replaces glycine 2510 with arginine.
Molecular consequence: missense variant.
Genome position (GRCh38, 1-based): chr6:7,584,790, G>A. VCF-style: chr6-7584790-G-A. GRCh37 (hg19) VCF-style: chr6-7585023-G-A.
Other names: c.5731G>A, p.Gly1911Arg (NM_001008844.3); c.6199G>A, p.Gly2067Arg (NM_001319034.2); short protein forms G2510R, G1911R, G2067R.
Identifiers: ClinVar variation 2002326 (VCV002002326.4), dbSNP rs2533946324, ClinGen allele CA362693219.

ClinVar aggregate classification (germline): Uncertain significance (1 of 4 stars; one submission).

Conditions:
Arrhythmogenic right ventricular dysplasia 8 (ARVD8). Also called: ARRHYTHMOGENIC RIGHT VENTRICULAR CARDIOMYOPATHY 8; Arrhythmogenic Right Ventricular Dysplasia/Cardiomyopathy 8; ARRHYTHMOGENIC RIGHT VENTRICULAR DYSPLASIA, FAMILIAL, 8. Identifiers: MedGen C1843896, MONDO:0011831, OMIM 607450.
Arrhythmogenic cardiomyopathy with wooly hair and keratoderma. Also called: PALMOPLANTAR KERATODERMA WITH LEFT VENTRICULAR CARDIOMYOPATHY AND WOOLLY HAIR; Arrhythmogenic cardiomyopathy with woolly hair and keratoderma; Carvajal syndrome; Dilated cardiomyopathy with woolly hair and keratoderma. Identifiers: Orphanet 65282, MedGen C1854063, MONDO:0011581, OMIM 605676.

Submission:

Labcorp Genetics (formerly Invitae), Labcorp
Classification: Uncertain significance for Arrhythmogenic cardiomyopathy with wooly hair and keratoderma; Arrhythmogenic right ventricular dysplasia 8. Last evaluated: 2022-09-13. Review status: criteria provided, single submitter. Criteria: Invitae Variant Classification Sherloc (09022015). Collection method: clinical testing. Allele origin: germline.
Comment: Algorithms developed to predict the effect of missense changes on protein structure and function are either unavailable or do not agree on the potential impact of this missense change (SIFT: "Deleterious"; PolyPhen-2: "Probably Damaging"; Align-GVGD: "Class C0"). This variant has not been reported in the literature in individuals affected with DSP-related conditions. This variant is not present in population databases (gnomAD no frequency). This sequence change replaces glycine, which is neutral and non-polar, with arginine, which is basic and polar, at codon 2510 of the DSP protein (p.Gly2510Arg). In summary, the available evidence is currently insufficient to determine the role of this variant in disease. Therefore, it has been classified as a Variant of Uncertain Significance.